The following is an entry in ClinVar:

ClinVar aggregate classification (germline): Uncertain significance (1 of 4 stars; one submission).

Conditions:
Neuropathy, hereditary sensory, type 1F. Also called: Hereditary sensory neuropathy type IF; HSN IF. Identifiers: Orphanet 36386, MedGen C3810194, MONDO:0014286, OMIM 615632.

Submission:

Labcorp Genetics (formerly Invitae), Labcorp
Classification: Uncertain significance for Neuropathy, hereditary sensory, type 1F. Last evaluated: 2019-10-28. Review status: criteria provided, single submitter. Criteria: Invitae Variant Classification Sherloc (09022015). Collection method: clinical testing. Allele origin: germline.
Comment: In summary, the available evidence is currently insufficient to determine the role of this variant in disease. Therefore, it has been classified as a Variant of Uncertain Significance. The current clinical and genetic evidence is not sufficient to establish whether loss-of-function variants in ATL3 cause disease. This variant has not been reported in the literature in individuals with ATL3-related conditions. A gross deletion of the genomic region encompassing the full coding sequence of the ATL3 gene has been identified. The boundaries of this event are unknown as the deletion extends beyond the assayed region for this gene and therefore may encompass additional genes.

NC_000011.10:g.(?_63629309)_(63671345_?)del

Gene: ATL3 (atlastin GTPase 3; minus strand). Cytogenetic location: 11q12.3-13.1.
Variant type: Deletion.
Identifiers: ClinVar variation 833403 (VCV000833403.6).